The following is an entry in ClinVar:

NM_020975.6(RET):c.2931C>A (p.Ser977Arg)

Gene: RET (ret proto-oncogene; plus strand). Cytogenetic location: 10q11.21.
Variant type: single nucleotide variant.
Coding change: c.2931C>A on transcript NM_020975.6 (MANE Select); coding-DNA position 2931, C replaced by A.
Protein change: p.Ser977Arg; replaces serine 977 with arginine.
Molecular consequence: missense variant.
Genome position (GRCh38, 1-based): chr10:43,123,800, C>A. VCF-style: chr10-43123800-C-A. GRCh37 (hg19) VCF-style: chr10-43619248-C-A.
Other names: c.2169C>A, p.Ser723Arg (NM_001355216.2); c.2931C>A, p.Ser977Arg (NM_001406743.1, NM_001406744.1, NM_001406759.1 and 2 more transcripts); c.2802C>A, p.Ser934Arg (NM_001406761.1, NM_001406762.1, NM_001406764.1); c.2796C>A, p.Ser932Arg (NM_001406763.1, NM_001406765.1); c.2643C>A, p.Ser881Arg (NM_001406766.1, NM_001406767.1, NM_001406770.1); c.2667C>A, p.Ser889Arg (NM_001406768.1); c.2535C>A, p.Ser845Arg (NM_001406769.1, NM_001406772.1); c.2493C>A, p.Ser831Arg (NM_001406771.1, NM_001406773.1); and 10 more; short protein forms S582R, S678R, S977R, S633R, S881R, S542R, S647R, S723R.
Identifiers: ClinVar variation 3788320 (VCV003788320.1).

ClinVar aggregate classification (germline): Uncertain significance (1 of 4 stars; one submission).

Conditions:
Hereditary cancer-predisposing syndrome. Also called: Neoplastic Syndromes, Hereditary; Hereditary Cancer Syndrome; Tumor predisposition; Hereditary neoplastic syndrome. Identifiers: Orphanet 140162, MedGen C0027672, MeSH D009386, MONDO:0015356.

Submission:

Ambry Genetics
Classification: Uncertain significance for Hereditary cancer-predisposing syndrome. Last evaluated: 2025-01-03. Review status: criteria provided, single submitter. Criteria: Ambry Variant Classification Scheme 2023. Collection method: clinical testing. Allele origin: germline.
Comment: The p.S977R variant (also known as c.2931C>A), located in coding exon 17 of the RET gene, results from a C to A substitution at nucleotide position 2931. The serine at codon 977 is replaced by arginine, an amino acid with dissimilar properties. This amino acid position is conserved. In addition, this alteration is predicted to be deleterious by in silico analysis. Based on the available evidence, the clinical significance of this variant remains unclear.